The following is an entry in ClinVar:

ClinVar aggregate classification (germline): Pathogenic (1 of 4 stars; one submission).

Conditions:
Deficiency of acetyl-CoA acetyltransferase. Also called: 3-KETOTHIOLASE DEFICIENCY; 3-OXOTHIOLASE DEFICIENCY; Beta-ketothiolase deficiency; MITOCHONDRIAL ACETOACETYL-CoA THIOLASE DEFICIENCY. Identifiers: Orphanet 134, MedGen C1536500, MONDO:0008760, OMIM 203750. Disease mechanism: loss of function.

Submission:

Labcorp Genetics (formerly Invitae), Labcorp
Classification: Pathogenic for Deficiency of acetyl-CoA acetyltransferase. Last evaluated: 2022-04-18. Review status: criteria provided, single submitter. Criteria: Invitae Variant Classification Sherloc (09022015). Collection method: clinical testing. Allele origin: germline.
Comment: For these reasons, this variant has been classified as Pathogenic. This variant has not been reported in the literature in individuals affected with ACAT1-related conditions. This variant is not present in population databases (gnomAD no frequency). This sequence change creates a premature translational stop signal (p.Thr279Glnfs*8) in the ACAT1 gene. It is expected to result in an absent or disrupted protein product. Loss-of-function variants in ACAT1 are known to be pathogenic (PMID: 7749408).

Literature cited by the submitters: PubMed 7749408.

NM_000019.4(ACAT1):c.835del (p.Thr279fs)

Gene: ACAT1 (acetyl-CoA acetyltransferase 1; plus strand). Cytogenetic location: 11q22.3.
Variant type: Deletion.
Coding change: c.835del on transcript NM_000019.4 (MANE Select); coding-DNA position 835, one base deleted (A; older notation c.835delA).
Protein change: p.Thr279fs; shifts the reading frame from threonine 279.
Molecular consequence: frameshift variant. On other transcripts: non-coding transcript variant (2).
Genome position (GRCh38, 1-based): chr11:108,142,445, A deleted; the last of 2 consecutive A bases (chr11:108,142,444-108,142,445); deleting either gives the same sequence. VCF-style (leftmost placement, unchanged base first): chr11-108142443-TA-T. GRCh37 (hg19) VCF-style: chr11-108013170-TA-T.
Other names: c.835del, p.Thr279fs (NM_001386677.1); c.520del, p.Thr174fs (NM_001386678.1); c.538del, p.Thr180fs (NM_001386679.1); c.565del, p.Thr189fs (NM_001386681.1, NM_001386682.1, NM_001386685.1 and 6 more transcripts); short protein forms T189fs, T180fs, T279fs, T174fs.
Identifiers: ClinVar variation 2127596 (VCV002127596.4), dbSNP rs2496636048, ClinGen allele CA2580083529.
Genomic context (GRCh38, chr11:108,142,443, plus strand): 5'-AAATACATTTATTGTGAAGGAATGTTTTGACTTCAACCTCATTTTTGCTTTCAGGCACAG[TA>T]ACAGCTGCCAATGCCAGTACACTGAATGATGGAGCAGCTGCTCTGGTTCTCATGACGGCA-3'